The following is an entry in ClinVar:

NM_000057.4(BLM):c.1334C>G (p.Pro445Arg)

Gene: BLM (BLM RecQ like helicase; plus strand). Cytogenetic location: 15q26.1.
Variant type: single nucleotide variant.
Coding change: c.1334C>G on transcript NM_000057.4 (MANE Select); coding-DNA position 1334, C replaced by G.
Protein change: p.Pro445Arg; replaces proline 445 with arginine.
Molecular consequence: missense variant.
Genome position (GRCh38, 1-based): chr15:90,760,707, C>G. VCF-style: chr15-90760707-C-G. GRCh37 (hg19) VCF-style: chr15-91303937-C-G.
Other names: c.1334C>G, p.Pro445Arg (NM_001287246.2, NM_001287247.2); c.209C>G, p.Pro70Arg (NM_001287248.2); short protein forms P70R, P445R.
Identifiers: ClinVar variation 2586870 (VCV002586870.2), dbSNP rs1895952164, ClinGen allele CA393842837.

ClinVar aggregate classification (germline): Uncertain significance (1 of 4 stars; one submission).

Conditions:
Hereditary cancer-predisposing syndrome. Also called: Hereditary neoplastic syndrome; Tumor predisposition; Hereditary Cancer Syndrome; Neoplastic Syndromes, Hereditary. Identifiers: Orphanet 140162, MedGen C0027672, MeSH D009386, MONDO:0015356.

Submission:

Ambry Genetics
Classification: Uncertain significance for Hereditary cancer-predisposing syndrome. Last evaluated: 2023-06-30. Review status: criteria provided, single submitter. Criteria: Ambry Variant Classification Scheme 2023. Collection method: clinical testing. Allele origin: germline.
Comment: The p.P445R variant (also known as c.1334C>G), located in coding exon 6 of the BLM gene, results from a C to G substitution at nucleotide position 1334. The proline at codon 445 is replaced by arginine, an amino acid with dissimilar properties. This amino acid position is conserved. In addition, this alteration is predicted to be tolerated by in silico analysis. Since supporting evidence is limited at this time, the clinical significance of this alteration remains unclear.